The following is an entry in ClinVar:

ClinVar aggregate classification (germline): Uncertain significance (1 of 4 stars; one submission).

Submission:

GeneDx
Classification: Uncertain significance. Last evaluated: 2026-03-26. Review status: criteria provided, single submitter. Criteria: GeneDx Variant Classification Process June 2021. Collection method: clinical testing. Allele origin: germline.
Comment: Not observed at significant frequency in large population cohorts (gnomAD); In silico analysis supports that this missense variant has a deleterious effect on protein structure/function; Has not been previously published as pathogenic or benign to our knowledge

NM_030912.3(TRIM8):c.595C>G (p.Arg199Gly)

Gene: TRIM8 (tripartite motif containing 8; plus strand). Cytogenetic location: 10q24.32.
Variant type: single nucleotide variant.
Coding change: c.595C>G on transcript NM_030912.3 (MANE Select); coding-DNA position 595, C replaced by G.
Protein change: p.Arg199Gly; replaces arginine 199 with glycine.
Molecular consequence: missense variant. On other transcripts: non-coding transcript variant (1), intron variant (1).
Genome position (GRCh38, 1-based): chr10:102,654,677, C>G. VCF-style: chr10-102654677-C-G. GRCh37 (hg19) VCF-style: chr10-104414434-C-G.
Other names: c.571-403C>G (NM_001345950.1); short protein forms R199G.
Identifiers: ClinVar variation 5017160 (VCV005017160.1).
Genomic context (GRCh38, chr10:102,654,677, plus strand): 5'-AGTCCCTCTGATACTCCCACCCAAATGTCCCTGCAGAAGATGCTCATGAAGCAGCAGGAC[C>G]GGCTGGAGGAGCGAGAGCAGGACATTGAGGACCAGCTGTACAAACTCGAGTCAGACAAGC-3'
Protein context (NP_112174.2, residues 189-209): IRKMLMKQQD[Arg199Gly]LEEREQDIED